The following is an entry in ClinVar:

ClinVar aggregate classification (germline): Uncertain significance (1 of 4 stars; one submission).

Submission:

GeneDx
Classification: Uncertain significance. Last evaluated: 2022-10-03. Review status: criteria provided, single submitter. Criteria: GeneDx Variant Classification Process June 2021. Collection method: clinical testing. Allele origin: germline. Affected: yes.
Comment: Not observed at significant frequency in large population cohorts (gnomAD); In silico analysis supports that this missense variant does not alter protein structure/function; Has not been previously published as pathogenic or benign to our knowledge

NM_001114748.2(TMEM240):c.359C>T (p.Ala120Val)

Gene: TMEM240 (transmembrane protein 240; minus strand). Cytogenetic location: 1p36.33.
Variant type: single nucleotide variant.
Coding change: c.359C>T on transcript NM_001114748.2 (MANE Select); coding-DNA position 359, C replaced by T.
Protein change: p.Ala120Val; replaces alanine 120 with valine.
Molecular consequence: missense variant.
Genome position (GRCh38, 1-based): chr1:1,535,603, G>A on the plus strand (C>T on the coding strand, the complement: TMEM240 is on the minus strand). VCF-style: chr1-1535603-G-A. GRCh37 (hg19) VCF-style: chr1-1470983-G-A.
Other names: short protein forms A120V.
Identifiers: ClinVar variation 2446518 (VCV002446518.1), dbSNP rs2520955016, ClinGen allele CA337866359.
Genomic context (GRCh38, chr1:1,535,603, plus strand): 5'-CGGCCAGGGCGGCAGCACTCCCGGGCGGCGGGCACGAGGCACTCACCGTAGCGCCGTCCG[G>A]CTCTCCAGGCGCGCACGGCGCAGTGCAGGACGCCGTCCATCCACACCAGGAACCAGCTGA-3'
Protein context (NP_001108220.1, residues 110-130): VLHCAVRAWR[Ala120Val]GRRYDGSWTW